The following is an entry in ClinVar:

NM_145868.2(ANXA11):c.1335+4T>C

Gene: ANXA11 (annexin A11; minus strand). Cytogenetic location: 10q22.3.
Variant type: single nucleotide variant.
Coding change: c.1335+4T>C on transcript NM_145868.2 (MANE Select); 4 bases into the intron after coding-DNA position 1335, T replaced by C.
Molecular consequence: intron variant.
Genome position (GRCh38, 1-based): chr10:80,157,963, A>G on the plus strand (T>C on the coding strand, the complement: ANXA11 is on the minus strand). VCF-style: chr10-80157963-A-G. GRCh37 (hg19) VCF-style: chr10-81917719-A-G.
Other names: c.1335+4T>C (NM_001278407.2, NM_001157.3, NM_145869.2 and 1 more transcripts); c.1236+4T>C (NM_001278409.2).
Identifiers: ClinVar variation 1941253 (VCV001941253.5), dbSNP rs773217818, ClinGen allele CA5575810.

ClinVar aggregate classification (germline): Uncertain significance (1 of 4 stars; one submission).

Allele frequency attached by ClinVar (database versions not stated): gnomAD exomes below 0.00001; ExAC 0.00001; gnomAD 0.00001.
gnomAD v4.1: 7 of 1,613,788 alleles (0.00043%); highest among the groups gnomAD compares: Non-Finnish European, 0.00059%; no homozygotes.

Submission:

Labcorp Genetics (formerly Invitae), Labcorp
Classification: Uncertain significance. Last evaluated: 2025-03-22. Review status: criteria provided, single submitter. Criteria: Invitae Variant Classification Sherloc (09022015). Collection method: clinical testing. Allele origin: germline.
Comment: This sequence change falls in intron 13 of the ANXA11 gene. It does not directly change the encoded amino acid sequence of the ANXA11 protein. It affects a nucleotide within the consensus splice site. This variant is present in population databases (rs773217818, gnomAD 0.006%). This variant has not been reported in the literature in individuals affected with ANXA11-related conditions. ClinVar contains an entry for this variant (Variation ID: 1941253). Variants that disrupt the consensus splice site are a relatively common cause of aberrant splicing (PMID: 17576681, 9536098). Algorithms developed to predict the effect of sequence changes on RNA splicing suggest that this variant is not likely to affect RNA splicing. In summary, the available evidence is currently insufficient to determine the role of this variant in disease. Therefore, it has been classified as a Variant of Uncertain Significance.

Literature cited by the submitters: PubMed 17576681; PubMed 9536098.